The following is an entry in ClinVar:

ClinVar aggregate classification (germline): Pathogenic/Likely pathogenic. Review status: criteria provided, multiple submitters, no conflicts (2 of 4 stars). 6 submissions from 6 submitters: Pathogenic (4); Likely pathogenic (1). 1 of the submissions does not count toward it. Last evaluated 2025-10-29.

Conditions:
Breast-ovarian cancer, familial, susceptibility to, 5 (BROVCA5). Identifiers: MedGen C5830615, MONDO:0957530, OMIM 620442.
Hereditary cancer-predisposing syndrome. Also called: Tumor predisposition; Hereditary Cancer Syndrome; Hereditary neoplastic syndrome; Neoplastic Syndromes, Hereditary. Identifiers: Orphanet 140162, MedGen C0027672, MeSH D009386, MONDO:0015356.
Familial cancer of breast. Also called: BREAST CANCER, FAMILIAL; Hereditary breast cancer; hereditary breast carcinoma. Identifiers: Orphanet 227535, MedGen C0346153, MONDO:0016419, OMIM 114480. Disease mechanism: loss of function.

Submissions (6):

Ambry Genetics
Classification: Pathogenic for Hereditary cancer-predisposing syndrome. Last evaluated: 2025-10-29. Review status: criteria provided, single submitter. Criteria: Ambry Variant Classification Scheme 2023. Collection method: clinical testing. Allele origin: germline.
Comment: The p.Y743* pathogenic mutation (also known as c.2229T>A), located in coding exon 5 of the PALB2 gene, results from a T to A substitution at nucleotide position 2229. This changes the amino acid from a tyrosine to a stop codon within coding exon 5. This variant is considered to be rare based on population cohorts in the Genome Aggregation Database (gnomAD). This alteration is expected to result in loss of function by premature protein truncation or nonsense-mediated mRNA decay. As such, this alteration is interpreted as a disease-causing mutation.

Department of Human Genetics, Hannover Medical School
Classification: Pathogenic for Breast-ovarian cancer, familial, susceptibility to, 5. Last evaluated: 2025-01-07. Review status: criteria provided, single submitter. Criteria: ACMG Guidelines, 2015. Collection method: clinical testing. Allele origin: germline. Affected: yes.
Comment: PVS1, PM2_Supporting, PM5

Myriad Genetics, Inc.
Classification: Pathogenic for Familial cancer of breast. Last evaluated: 2023-09-12. Review status: criteria provided, single submitter. Criteria: Myriad Autosomal Dominant, Autosomal Recessive and X-Linked Classification Criteria (2023). Collection method: clinical testing. Allele origin: unknown.
Comment: This variant is considered pathogenic. This variant creates a termination codon and is predicted to result in premature protein truncation.

GeneDx
Classification: Pathogenic. Last evaluated: 2014-07-28. Review status: criteria provided, single submitter. Criteria: GeneDx Variant Classification (06012015). Collection method: clinical testing. Allele origin: germline. Affected: yes.
Comment: This pathogenic variant is denoted PALB2 c.2229T>A at the cDNA level and p.Tyr743Ter (Y743X) at the protein level. The substitution creates a nonsense variant, which changes a Tyrosine to a premature stop codon (TAT>TAA), and is predicted to cause loss of normal protein function through either protein truncation or nonsense-mediated mRNA decay. Although this variant has not, to our knowledge, been reported in the literature, it is considered pathogenic.One mutation in PALB2, also known as FANCN, has been estimated to increase the risk of female breast cancer 2 to 3-fold over the general population (Erkko 2008, Rahman 2007) resulting in a lifetime risk of approximately 25% to 40%. Women with a PALB2 mutation who have a family history of early-onset breast cancer may have a lifetime risk approaching 50% (Byrnes 2008). Heikkinen et al. (2009) found that women with PALB2 mutations, who have been diagnosed with breast cancer, frequently had a high-grade infiltrating ductal carcinoma with 40% overall (20 out of 50) being ER, PR and HER2 negative. Casadei et al. (2011) found that PALB2 mutation carriers are 6-fold more likely to have a family history of pancreatic cancer, 1.3-fold more likely to have a family history of ovarian cancer and 4-fold more likely to have a family history of male breast cancer. Although the association of PALB2 mutations and pancreatic cancer has been established, the exact risks are not yet well-understood (Jones 2009, Slater 2010). Pennington et al. (2014) identified a germline PALB2 mutation in 2 out of 367 patients, unselected for family history, who had a personal history of ovarian cancer, peritoneal cancer, or fallopian tube cancer.Fanconi Anemia (FA) is a rare autosomal recessive condition that can be caused by two mutations (one affecting each allele) in the PALB2 gene. This condition is characterized by an increased risk for malignancy in children including leukemia and certain solid tumors as well as physical abnormalities and bone marrow failure. If a PALB2 mutation carrier'spartner is also heterozygous for a PALB2 mutation, the risk to have a child with FA is 25% for each pregnancy.

Arcensus
Classification: Likely pathogenic for Familial cancer of breast. Last evaluated: 2013-02-01. Review status: criteria provided, single submitter. Criteria: ACMG Guidelines, 2015. Collection method: clinical testing. Allele origin: germline. Affected: yes.

Leiden Open Variation Database
Classification: Pathogenic. Last evaluated: 2018-10-10. Review status: no assertion criteria provided. Collection method: curation. Allele origin: germline. Affected: yes. Not counted in ClinVar's aggregate classification.
Comment: Curators: Marc Tischkowitz, Arleen D. Auerbach. Submitter to LOVD: Yukihide Momozawa.

Literature cited by the submitters: PubMed 26681312 (cited by Ambry Genetics); PubMed 30287823 (cited by Ambry Genetics and Leiden Open Variation Database); PubMed 30309218 (cited by Ambry Genetics).

NM_024675.4(PALB2):c.2229T>A (p.Tyr743Ter)

Gene: PALB2 (partner and localizer of BRCA2; minus strand). Cytogenetic location: 16p12.2.
Variant type: single nucleotide variant.
Coding change: c.2229T>A on transcript NM_024675.4 (MANE Select); coding-DNA position 2229, T replaced by A.
Protein change: p.Tyr743Ter; replaces tyrosine 743 with a stop codon.
Molecular consequence: nonsense.
Genome position (GRCh38, 1-based): chr16:23,629,925, A>T on the plus strand (T>A on the coding strand, the complement: PALB2 is on the minus strand). VCF-style: chr16-23629925-A-T. GRCh37 (hg19) VCF-style: chr16-23641246-A-T.
Other names: p.Y743*:TAT>TAA; short protein forms Y743*.
Identifiers: ClinVar variation 182766 (VCV000182766.24), dbSNP rs730881888, ClinGen allele CA299725.